The following is an entry in ClinVar:

NM_172362.3(KCNH1):c.547C>T (p.Arg183Cys)

Gene: KCNH1 (potassium voltage-gated channel subfamily H member 1; minus strand). Cytogenetic location: 1q32.2.
Variant type: single nucleotide variant.
Coding change: c.547C>T on transcript NM_172362.3 (MANE Select); coding-DNA position 547, C replaced by T.
Protein change: p.Arg183Cys; replaces arginine 183 with cysteine.
Molecular consequence: missense variant.
Genome position (GRCh38, 1-based): chr1:211,082,791, G>A on the plus strand (C>T on the coding strand, the complement: KCNH1 is on the minus strand). VCF-style: chr1-211082791-G-A. GRCh37 (hg19) VCF-style: chr1-211256133-G-A.
Other names: c.547C>T, p.Arg183Cys (NM_002238.4); short protein forms R183C.
Identifiers: ClinVar variation 1363848 (VCV001363848.10), dbSNP rs777524620, ClinGen allele CA1380010.
Genomic context (GRCh38, chr1:211,082,791, plus strand): 5'-TGCACCCCCTAAAAGTGAGGCTCAAGATGAGCTAACCCTTTGCCCTTACCTCTGCCAGGC[G>A]GGAGTGCTTGTGGACATTCTCGCCTTTTTGCACGCTTGGAGCCAGCTGCTGCAGGACACC-3'
Protein context (NP_758872.1, residues 173-193): QKGENVHKHS[Arg183Cys]LAEVLQLGSD

ClinVar aggregate classification (germline): Likely benign. Review status: criteria provided, multiple submitters, no conflicts (2 of 4 stars). 2 submissions from 2 submitters: Likely benign (2). Last evaluated 2025-01-03.

Allele frequency attached by ClinVar (database versions not stated): ExAC 0.00002; gnomAD 0.00002; gnomAD exomes 0.00002 and 0.00004; TOPMed 0.00003.
gnomAD v4.1: 61 of 1,613,490 alleles (0.0038%); highest among the groups gnomAD compares: Non-Finnish European, 0.0049%; no homozygotes.

Submissions (2):

Women's Health and Genetics/Laboratory Corporation of America, LabCorp
Classification: Likely benign. Last evaluated: 2025-01-03. Review status: criteria provided, single submitter. Criteria: LabCorp Variant Classification Summary - May 2015. Collection method: clinical testing. Allele origin: germline.
Comment: Variant summary: KCNH1 c.547C>T (p.Arg183Cys) results in a non-conservative amino acid change in the encoded protein sequence. Five of five in-silico tools predict a damaging effect of the variant on protein function. The variant allele was found at a frequency of 2e-05 in 250930 control chromosomes, and was found in >50 control individuals in the heterozygous state in the gnomAD v4 dataset, which is inconsistent with the early onset/severe presentation of KCNH1-related conditions (OMIM: # 135500, # 611816). The available data on variant occurrences in the general population are insufficient to allow any conclusion about variant significance. To our knowledge, no occurrence of c.547C>T in individuals affected with KCNH1-Related Disorders and no experimental evidence demonstrating its impact on protein function have been reported. ClinVar contains an entry for this variant (Variation ID: 1363848). Based on the evidence outlined above, the variant was classified as likely benign.

Labcorp Genetics (formerly Invitae), Labcorp
Classification: Likely benign. Last evaluated: 2024-07-23. Review status: criteria provided, single submitter. Criteria: Invitae Variant Classification Sherloc (09022015). Collection method: clinical testing. Allele origin: germline.